The following is an entry in ClinVar:

NM_000435.3(NOTCH3):c.3092G>T (p.Arg1031Leu)

Gene: NOTCH3 (notch receptor 3; minus strand). Cytogenetic location: 19p13.12.
Variant type: single nucleotide variant.
Coding change: c.3092G>T on transcript NM_000435.3 (MANE Select); coding-DNA position 3092, G replaced by T.
Protein change: p.Arg1031Leu; replaces arginine 1031 with leucine.
Molecular consequence: missense variant.
Genome position (GRCh38, 1-based): chr19:15,180,731, C>A on the plus strand (G>T on the coding strand, the complement: NOTCH3 is on the minus strand). VCF-style: chr19-15180731-C-A. GRCh37 (hg19) VCF-style: chr19-15291542-C-A.
Other names: short protein forms R1031L.
Identifiers: ClinVar variation 4887719 (VCV004887719.1).

ClinVar aggregate classification (germline): Uncertain significance (1 of 4 stars; one submission).

gnomAD v4.1: 3 of 1,573,326 alleles (0.00019%); highest among the groups gnomAD compares: Non-Finnish European, 0.00017%; no homozygotes.

Submission:

Women's Health and Genetics/Laboratory Corporation of America, LabCorp
Classification: Uncertain significance. Last evaluated: 2026-06-24. Review status: criteria provided, single submitter. Criteria: LabCorp Variant Classification Summary - May 2015. Collection method: clinical testing. Allele origin: germline.
Comment: Variant summary: NOTCH3 c.3092G>T (p.Arg1031Leu) results in a non-conservative amino acid change in the encoded protein sequence. Algorithms developed to predict the effect of missense changes on protein structure and function are either unavailable or do not agree on the potential impact of this missense change. The variant was absent in 185246 control chromosomes. The available data on variant occurrences in the general population are insufficient to allow any conclusion about variant significance. To our knowledge, no occurrence of c.3092G>T in individuals affected with NOTCH3-related conditions and no experimental evidence demonstrating its impact on protein function have been reported. No submitters have cited clinical-significance assessments for this variant to ClinVar. Based on the evidence outlined above, the variant was classified as uncertain significance.